The following is an entry in ClinVar:

NM_145861.4(EDARADD):c.196C>T (p.Arg66Ter)

Gene: EDARADD (EDAR associated via death domain; plus strand). Cytogenetic location: 1q43.
Variant type: single nucleotide variant.
Coding change: c.196C>T on transcript NM_145861.4 (MANE Select); coding-DNA position 196, C replaced by T.
Protein change: p.Arg66Ter; replaces arginine 66 with a stop codon.
Molecular consequence: nonsense.
Genome position (GRCh38, 1-based): chr1:236,427,427, C>T. VCF-style: chr1-236427427-C-T. GRCh37 (hg19) VCF-style: chr1-236590727-C-T.
Other names: c.130C>T, p.Arg44Ter (NM_001422628.1); c.166C>T, p.Arg56Ter (NM_080738.5); c.196C>T (NM_145861.3); short protein forms R66*, R56*, R44*.
Identifiers: ClinVar variation 280481 (VCV000280481.2), dbSNP rs766500689, ClinGen allele CA1470017.

ClinVar aggregate classification (germline): Pathogenic. Review status: criteria provided, multiple submitters, no conflicts (2 of 4 stars). 2 submissions from 2 submitters: Pathogenic (2). Last evaluated 2016-05-02.

Conditions:
Ectodermal dysplasia 11B, hypohidrotic/hair/tooth type, autosomal recessive. Identifiers: Orphanet 238468, Orphanet 248, MedGen C3539920, MONDO:0013983, OMIM 614941.

Allele frequency attached by ClinVar (database versions not stated): TOPMed 0.00002; ExAC 0.00001.
gnomAD v4.1: 23 of 1,611,398 alleles (0.0014%); highest among the groups gnomAD compares: Non-Finnish European, 0.0019%; no homozygotes.

Submissions (2):

GeneDx
Classification: Pathogenic. Last evaluated: 2016-05-02. Review status: criteria provided, single submitter. Criteria: GeneDx Variant Classification (06012015). Collection method: clinical testing. Allele origin: germline. Affected: yes.
Comment: The R66X variant in the EDARADD gene has not been reported previously as a pathogenic variant nor as a benign variant, to our knowledge. This variant is predicted to cause loss of normal protein function either through protein truncation or nonsense-mediated mRNA decay. The R66X variant was not observed in approximately 6500 individuals of European and African American ancestry in the NHLBI Exome Sequencing Project, indicating it is not a common benign variant in these populations. We interpret R66X as a pathogenic variant.

Neuberg Centre For Genomic Medicine, NCGM
Classification: Pathogenic for Ectodermal dysplasia 11B, hypohidrotic/hair/tooth type, autosomal recessive. Review status: criteria provided, single submitter. Criteria: ACMG Guidelines, 2015. Collection method: clinical testing. Allele origin: germline. Inheritance: Autosomal recessive inheritance. Affected: yes.
Comment: The stop gained variant c.196C>T (p.Arg66Ter) in EDARADD has been reported to the ClinVar database as Pathogenic (GeneDx, 2019). The variant is novel (not in any individuals) in 1000 Genomes and allele frequency of 0.0008018% is reported in gnomAD. This variant is predicted to cause loss of normal protein function either through protein truncation or nonsense-mediated mRNA decay (GeneDx, 2019). For these reasons, this variant has been classified as Pathogenic .